The following is an entry in ClinVar:

ClinVar aggregate classification (germline): Pathogenic/Likely pathogenic. Review status: criteria provided, multiple submitters, no conflicts (2 of 4 stars). 2 submissions from 2 submitters: Pathogenic (1); Likely pathogenic (1). Last evaluated 2025-08-20.

Conditions:
Early-infantile DEE. Also called: Ohtahara syndrome; Early infantile epileptic encephalopathy; Early infantile epileptic encephalopathy with suppression bursts. Identifiers: Orphanet 1934, MedGen C0393706, MONDO:0800491.

Submissions (2):

Labcorp Genetics (formerly Invitae), Labcorp
Classification: Pathogenic for Early-infantile DEE. Last evaluated: 2025-08-20. Review status: criteria provided, single submitter. Criteria: Invitae Variant Classification Sherloc (09022015). Collection method: clinical testing. Allele origin: germline.
Comment: This sequence change replaces proline, which is neutral and non-polar, with arginine, which is basic and polar, at codon 1526 of the SCN1A protein (p.Pro1526Arg). This variant is not present in population databases (gnomAD no frequency). This missense change has been observed in individual(s) with autosomal dominant SCN1A-related conditions (internal data). In at least one individual the variant was observed to be de novo. ClinVar contains an entry for this variant (Variation ID: 206841). Invitae Evidence Modeling of protein sequence and biophysical properties (such as structural, functional, and spatial information, amino acid conservation, physicochemical variation, residue mobility, and thermodynamic stability) indicates that this missense variant is expected to disrupt SCN1A protein function with a positive predictive value of 95%. For these reasons, this variant has been classified as Pathogenic.

GeneDx
Classification: Likely pathogenic. Last evaluated: 2023-07-13. Review status: criteria provided, single submitter. Criteria: GeneDx Variant Classification Process June 2021. Collection method: clinical testing. Allele origin: germline. Affected: yes.
Comment: Not observed at significant frequency in large population cohorts (gnomAD); The majority of missense variants in this gene are considered pathogenic (HGMD); In silico analysis supports that this missense variant has a deleterious effect on protein structure/function; Has not been previously published as pathogenic or benign to our knowledge; This substitution is predicted to be in the cytoplasmic loop between S6 of repeat III and S1 of repeat IV homologous domains

NM_001165963.4(SCN1A):c.4577C>G (p.Pro1526Arg)

Genes: SCN1A (sodium voltage-gated channel alpha subunit 1; minus strand), LOC102724058 (uncharacterized LOC102724058; plus strand). Cytogenetic location: 2q24.3.
Variant type: single nucleotide variant.
Coding change: c.4577C>G on transcript NM_001165963.4 (MANE Select); coding-DNA position 4577, C replaced by G.
Protein change: p.Pro1526Arg; replaces proline 1526 with arginine.
Molecular consequence: missense variant. On other transcripts: non-coding transcript variant (1).
Genome position (GRCh38, 1-based): chr2:165,996,017, G>C on the plus strand (C>G on the coding strand, the complement: SCN1A is on the minus strand). VCF-style: chr2-165996017-G-C. GRCh37 (hg19) VCF-style: chr2-166852527-G-C.
Other names: p.P1526R:CCA>CGA; c.4493C>G, p.Pro1498Arg (NM_001165964.3, NM_001353957.2, NM_001353958.2); c.4577C>G, p.Pro1526Arg (NM_001202435.3, NM_001353948.2); c.4544C>G, p.Pro1515Arg (NM_001353949.2, NM_001353950.2, NM_001353951.2 and 2 more transcripts); c.4541C>G, p.Pro1514Arg (NM_001353954.2, NM_001353955.2); c.4490C>G, p.Pro1497Arg (NM_001353960.2); c.2135C>G, p.Pro712Arg (NM_001353961.2); short protein forms P1515R, P1526R, P1514R, P712R, P1497R, P1498R.
Identifiers: ClinVar variation 206841 (VCV000206841.9), dbSNP rs796053022, ClinGen allele CA317509.
Genomic context (GRCh38, chr2:165,996,017, plus strand): 5'-AAGCATGCAAGTTTTTGTTTTTGTATTTTTCCCCCATATCATTTGATACTTCTTACTCCT[G>C]GTCGAGGTATAGGCTTTTGCGGTTTTTTCGATCCTAATTTTTTCATTGCATTATAGTATT-3'
Protein context (NP_001159435.1, residues 1516-1536): SKKPQKPIPR[Pro1526Arg]GNKFQGMVFD